The following is an entry in ClinVar:

ClinVar aggregate classification (germline): Pathogenic (1 of 4 stars; one submission).

Conditions:
Glycogen storage disease type III (GSD3). Also called: FORBES DISEASE; Cori disease. Identifiers: Orphanet 366, MedGen C0017922, MONDO:0009291, OMIM 232400.

Submission:

Myriad Genetics, Inc.
Classification: Pathogenic for Glycogen storage disease type III. Last evaluated: 2025-02-18. Review status: criteria provided, single submitter. Criteria: Myriad Autosomal Dominant, Autosomal Recessive and X-Linked Classification Criteria (2023). Collection method: clinical testing. Allele origin: unknown.
Comment: NM_000642.2(AGL):c.975dupC(K326Qfs*3) is expected to be pathogenic in the context of glycogen storage disease type III. This variant is predicted to lead to an abnormal or absent protein product due to the creation of a premature termination codon in AGL, a gene where loss-of-function variants are known to be pathogenic. Please note: this variant was assessed in the context of healthy population screening.

NM_000642.3(AGL):c.975dup (p.Lys326fs)

Gene: AGL (amylo-alpha-1,6-glucosidase and 4-alpha-glucanotransferase; plus strand). Cytogenetic location: 1p21.2.
Variant type: Duplication.
Coding change: c.975dup on transcript NM_000642.3 (MANE Select); coding-DNA position 975, one base duplicated (C; older notation c.975dupC).
Protein change: p.Lys326fs; shifts the reading frame from lysine 326.
Molecular consequence: frameshift variant.
Genome position (GRCh38, 1-based): chr1:99,874,703, C duplicated; the last of 2 consecutive C bases (chr1:99,874,702-99,874,703); duplicating either gives the same sequence. VCF-style (leftmost placement, unchanged base first): chr1-99874701-A-AC. GRCh37 (hg19) VCF-style: chr1-100340257-A-AC.
Other names: c.975dup, p.Lys326fs (NM_000028.3, NM_000643.3, NM_000644.3 and 3 more transcripts); c.927dup, p.Lys310fs (NM_000646.3); c.771dup, p.Lys258fs (NM_001425328.1, NM_001425329.1); c.597dup, p.Lys200fs (NM_001425332.1); short protein forms K200fs, K258fs, K310fs, K326fs.
Identifiers: ClinVar variation 5014106 (VCV005014106.1).